The following is an entry in ClinVar:

ClinVar aggregate classification (germline): Uncertain significance (1 of 4 stars; one submission).

Allele frequency attached by ClinVar (database versions not stated): gnomAD exomes below 0.00001.
gnomAD v4.1: 1 of 1,613,512 alleles (0.000062%); highest among the groups gnomAD compares: Non-Finnish European, 0.000085%; no homozygotes.

Submission:

Labcorp Genetics (formerly Invitae), Labcorp
Classification: Uncertain significance. Last evaluated: 2022-06-27. Review status: criteria provided, single submitter. Criteria: Invitae Variant Classification Sherloc (09022015). Collection method: clinical testing. Allele origin: germline.
Comment: This sequence change replaces proline, which is neutral and non-polar, with alanine, which is neutral and non-polar, at codon 1624 of the MPDZ protein (p.Pro1624Ala). This variant is not present in population databases (gnomAD no frequency). This variant has not been reported in the literature in individuals affected with MPDZ-related conditions. ClinVar contains an entry for this variant (Variation ID: 1022930). Algorithms developed to predict the effect of missense changes on protein structure and function (SIFT, PolyPhen-2, Align-GVGD) all suggest that this variant is likely to be disruptive. In summary, the available evidence is currently insufficient to determine the role of this variant in disease. Therefore, it has been classified as a Variant of Uncertain Significance.

NM_001378778.1(MPDZ):c.4870C>G (p.Pro1624Ala)

Gene: MPDZ (multiple PDZ domain crumbs cell polarity complex component; minus strand). Cytogenetic location: 9p23.
Variant type: single nucleotide variant.
Coding change: c.4870C>G on transcript NM_001378778.1 (MANE Select); coding-DNA position 4870, C replaced by G.
Protein change: p.Pro1624Ala; replaces proline 1624 with alanine.
Molecular consequence: missense variant.
Genome position (GRCh38, 1-based): chr9:13,123,236, G>C on the plus strand (C>G on the coding strand, the complement: MPDZ is on the minus strand). VCF-style: chr9-13123236-G-C. GRCh37 (hg19) VCF-style: chr9-13123235-G-C.
Other names: c.4771C>G, p.Pro1591Ala (NM_001261406.2, NM_001261407.2, NM_001375416.1 and 3 more transcripts); c.4870C>G, p.Pro1624Ala (NM_001330637.2, NM_003829.5); c.4969C>G, p.Pro1657Ala (NM_001375413.1); c.4660C>G, p.Pro1554Ala (NM_001375420.1, NM_001375421.1, NM_001375422.1 and 4 more transcripts); c.4462C>G, p.Pro1488Ala (NM_001375427.1); short protein forms P1488A, P1554A, P1591A, P1624A, P1657A.
Identifiers: ClinVar variation 1022930 (VCV001022930.6), dbSNP rs1219352819, ClinGen allele CA372945333.
Genomic context (GRCh38, chr9:13,123,236, plus strand): 5'-CGATGCTCAGGCCCAGCCCTGTTCGCCCTTTGGAAATCTCGATGGTTGTTTCGCAGCCAG[G>C]GATAATGGGGCAGGTTGCAGGATCAGAAGCAAAAATTGCTGGTGTTGATGATCTGCTTGT-3'
Protein context (NP_001365707.1, residues 1614-1634): ASDPATCPII[Pro1624Ala]GCETTIEISK